The following is an entry in ClinVar:

ClinVar aggregate classification (germline): Benign/Likely benign. Review status: criteria provided, multiple submitters, no conflicts (2 of 4 stars). 2 submissions from 2 submitters: Benign (1); Likely benign (1). Last evaluated 2024-10-02.

Allele frequency attached by ClinVar (database versions not stated): TOPMed 0.00014; ExAC 0.00002; gnomAD 0.00015; 1000 Genomes Project 30x 0.00031; 1000 Genomes Project 0.00040.
gnomAD v4.1: 36 of 1,608,084 alleles (0.0022%); highest among the groups gnomAD compares: African/African-American, 0.044%; no homozygotes.

Submissions (2):

Labcorp Genetics (formerly Invitae), Labcorp
Classification: Benign. Last evaluated: 2024-10-02. Review status: criteria provided, single submitter. Criteria: Invitae Variant Classification Sherloc (09022015). Collection method: clinical testing. Allele origin: germline.

CeGaT Center for Human Genetics Tuebingen
Classification: Likely benign. Last evaluated: 2023-05-01. Review status: criteria provided, single submitter. Criteria: CeGaT Center For Human Genetics Tuebingen Variant Classification Criteria Version 2. Collection method: clinical testing. Allele origin: germline. Affected: yes. Observed: 2 variant alleles.
Comment: SOX10: BP4, BP7

NM_006941.4(SOX10):c.1038A>G (p.Ser346=)

Genes: POLR2F (RNA polymerase II, I and III subunit F; plus strand), SOX10 (SRY-box transcription factor 10; minus strand). Cytogenetic location: 22q13.1.
Variant type: single nucleotide variant.
Coding change: c.1038A>G on transcript NM_006941.4 (MANE Select); coding-DNA position 1038, A replaced by G.
Protein change: p.Ser346=; no amino-acid change (serine 346 retained).
Molecular consequence: synonymous variant. On other transcripts: intron variant (3).
Genome position (GRCh38, 1-based): chr22:37,973,858, T>C on the plus strand (A>G on the coding strand, the complement: SOX10 is on the minus strand). VCF-style: chr22-37973858-T-C. GRCh37 (hg19) VCF-style: chr22-38369865-T-C.
Other names: c.*38+1548T>C (NM_001363825.1); c.293+6688T>C (NM_001301130.2, NM_001301131.2).
Identifiers: ClinVar variation 2653128 (VCV002653128.24), dbSNP rs537184160, ClinGen allele CA10228540.